The following is an entry in ClinVar:

ClinVar aggregate classification (germline): Uncertain significance (1 of 4 stars; one submission).

Allele frequency attached by ClinVar (database versions not stated): TOPMed below 0.00001; gnomAD 0.00001.
gnomAD v4.1: 2 of 1,613,652 alleles (0.00012%); highest among the groups gnomAD compares: African/African-American, 0.0027%; no homozygotes.

Submission:

GeneDx
Classification: Uncertain significance. Last evaluated: 2022-12-13. Review status: criteria provided, single submitter. Criteria: GeneDx Variant Classification Process June 2021. Collection method: clinical testing. Allele origin: germline. Affected: yes.
Comment: Not observed at significant frequency in large population cohorts (gnomAD); In silico analysis supports that this missense variant does not alter protein structure/function; Has not been previously published as pathogenic or benign to our knowledge

NM_018489.3(ASH1L):c.4664A>G (p.Gln1555Arg)

Gene: ASH1L (ASH1 like histone lysine methyltransferase; minus strand). Cytogenetic location: 1q22.
Variant type: single nucleotide variant.
Coding change: c.4664A>G on transcript NM_018489.3 (MANE Select); coding-DNA position 4664, A replaced by G.
Protein change: p.Gln1555Arg; replaces glutamine 1555 with arginine.
Molecular consequence: missense variant.
Genome position (GRCh38, 1-based): chr1:155,478,206, T>C on the plus strand (A>G on the coding strand, the complement: ASH1L is on the minus strand). VCF-style: chr1-155478206-T-C. GRCh37 (hg19) VCF-style: chr1-155447997-T-C.
Other names: c.4664A>G, p.Gln1555Arg (NM_001366177.2); short protein forms Q1555R.
Identifiers: ClinVar variation 2505701 (VCV002505701.1), dbSNP rs770465963, ClinGen allele CA30912580.